The following is an entry in ClinVar:

ClinVar aggregate classification (germline): Uncertain significance. Review status: criteria provided, multiple submitters, no conflicts (2 of 4 stars). 3 submissions from 3 submitters: Uncertain significance (3). Last evaluated 2026-08-07.

Conditions:
Nephronophthisis. Also called: Juvenile Nephronophthisis. Identifiers: Orphanet 655, MedGen C0687120, MONDO:0019005, HP:0000090.
Jeune thoracic dystrophy. Also called: Short-rib thoracic dysplasia; Jeune syndrome; Infantile thoracic dystrophy; Thoracic pelvic phalangeal dystrophy; Jeune's syndrome; Chondroectodermal dysplasia-like syndrome. Identifiers: Orphanet 474, MedGen C0265275, MONDO:0018770.
TTC21B-related disorder. Also called: TTC21B-related condition; TTC21B-related disorders.
Inborn genetic diseases. Identifiers: MedGen C0950123, MeSH D030342.

Allele frequency attached by ClinVar (database versions not stated): gnomAD exomes below 0.00001 and 0.00001; ExAC 0.00001; gnomAD 0.00004; TOPMed 0.00006; 1000 Genomes Project 30x 0.00016; 1000 Genomes Project 0.00020.

Submissions (3):

PreventionGenetics, part of Exact Sciences
Classification: Uncertain significance for TTC21B-related condition. Last evaluated: 2026-08-07. Review status: criteria provided, single submitter. Criteria: ACMG Guidelines, 2015. Collection method: clinical testing. Allele origin: germline.
Comment: The TTC21B c.569T>A variant is predicted to result in the amino acid substitution p.Met190Lys. To our knowledge, this variant has not been reported in the literature. This variant is reported in 0.0018% of alleles in individuals of European (Non-Finnish) descent in gnomAD. At this time, the clinical significance of this variant is uncertain due to the absence of conclusive functional and genetic evidence.

Ambry Genetics
Classification: Uncertain significance for Inborn genetic diseases. Last evaluated: 2024-07-02. Review status: criteria provided, single submitter. Criteria: Ambry Variant Classification Scheme 2023. Collection method: clinical testing. Allele origin: germline.

Labcorp Genetics (formerly Invitae), Labcorp
Classification: Uncertain significance for Jeune thoracic dystrophy; Nephronophthisis. Last evaluated: 2022-07-19. Review status: criteria provided, single submitter. Criteria: Invitae Variant Classification Sherloc (09022015). Collection method: clinical testing. Allele origin: germline.
Comment: This sequence change replaces methionine, which is neutral and non-polar, with lysine, which is basic and polar, at codon 190 of the TTC21B protein (p.Met190Lys). The frequency data for this variant in the population databases is considered unreliable, as metrics indicate poor data quality at this position in the gnomAD database. This variant has not been reported in the literature in individuals affected with TTC21B-related conditions. ClinVar contains an entry for this variant (Variation ID: 1513727). Algorithms developed to predict the effect of missense changes on protein structure and function (SIFT, PolyPhen-2, Align-GVGD) all suggest that this variant is likely to be tolerated. In summary, the available evidence is currently insufficient to determine the role of this variant in disease. Therefore, it has been classified as a Variant of Uncertain Significance.

NM_024753.5(TTC21B):c.569T>A (p.Met190Lys)

Genes: TTC21B-AS1 (TTC21B antisense RNA 1; plus strand), TTC21B (tetratricopeptide repeat domain 21B; minus strand). Cytogenetic location: 2q24.3.
Variant type: single nucleotide variant.
Coding change: c.569T>A on transcript NM_024753.5 (MANE Select); coding-DNA position 569, T replaced by A.
Protein change: p.Met190Lys; replaces methionine 190 with lysine.
Molecular consequence: missense variant.
Genome position (GRCh38, 1-based): chr2:165,941,168, A>T on the plus strand (T>A on the coding strand, the complement: TTC21B is on the minus strand). VCF-style: chr2-165941168-A-T. GRCh37 (hg19) VCF-style: chr2-166797678-A-T.
Other names: c.569T>A (NM_024753.4, NM_024753.3); short protein forms M190K.
Identifiers: ClinVar variation 1513727 (VCV001513727.6), dbSNP rs200374808, ClinGen allele CA1942392.